The following is an entry in ClinVar:

ClinVar aggregate classification (germline): Pathogenic (1 of 4 stars; one submission).

Conditions:
Hereditary cancer-predisposing syndrome. Also called: Tumor predisposition; Hereditary Cancer Syndrome; Hereditary neoplastic syndrome; Neoplastic Syndromes, Hereditary. Identifiers: Orphanet 140162, MedGen C0027672, MeSH D009386, MONDO:0015356.

Submission:

Ambry Genetics
Classification: Pathogenic for Hereditary cancer-predisposing syndrome. Last evaluated: 2023-08-04. Review status: criteria provided, single submitter. Criteria: Ambry Variant Classification Scheme 2023. Collection method: clinical testing. Allele origin: germline.
Comment: The c.2239delC pathogenic mutation, located in coding exon 13 of the ATM gene, results from a deletion of one nucleotide at nucleotide position 2239, causing a translational frameshift with a predicted alternate stop codon (p.Q747Rfs*6). This variant is considered to be rare based on population cohorts in the Genome Aggregation Database (gnomAD). This alteration is expected to result in loss of function by premature protein truncation or nonsense-mediated mRNA decay. As such, this alteration is interpreted as a disease-causing mutation.

NM_000051.4(ATM):c.2239del (p.Gln747fs)

Gene: ATM (ATM serine/threonine kinase; plus strand). Cytogenetic location: 11q22.3.
Variant type: Deletion.
Coding change: c.2239del on transcript NM_000051.4 (MANE Select); coding-DNA position 2239, one base deleted (C; older notation c.2239delC).
Protein change: p.Gln747fs; shifts the reading frame from glutamine 747.
Molecular consequence: frameshift variant.
Genome position (GRCh38, 1-based): chr11:108,256,329, C deleted; the last of 2 consecutive C bases (chr11:108,256,328-108,256,329); deleting either gives the same sequence. VCF-style (leftmost placement, unchanged base first): chr11-108256327-TC-T. GRCh37 (hg19) VCF-style: chr11-108127054-TC-T.
Other names: c.2239del, p.Gln747fs (NM_001351834.2); short protein forms Q747fs.
Identifiers: ClinVar variation 2587795 (VCV002587795.2), dbSNP rs2135394652, ClinGen allele CA2582342455.